The following is an entry in ClinVar:

NM_000218.3(KCNQ1):c.1394-21667G>A

Genes: KCNQ1 (potassium voltage-gated channel subfamily Q member 1; plus strand), KCNQ1OT1 (KCNQ1 opposite strand/antisense transcript 1; minus strand). Cytogenetic location: 11p15.5.
Variant type: single nucleotide variant.
Coding change: c.1394-21667G>A on transcript NM_000218.3 (MANE Select); 21667 bases into the intron before coding-DNA position 1394, G replaced by A.
Molecular consequence: intron variant. On other transcripts: non-coding transcript variant (1).
Genome position (GRCh38, 1-based): chr11:2,640,294, G>A. VCF-style: chr11-2640294-G-A. GRCh37 (hg19) VCF-style: chr11-2661524-G-A.
Other names: c.1124-21667G>A (NM_001406837.1); c.1298-21667G>A (NM_001406836.1); c.854-21667G>A (NM_001406838.1); c.1013-21667G>A (NM_181798.2).
Identifiers: ClinVar variation 3067524 (VCV003067524.21), dbSNP rs566672353, ClinGen allele CA216153640.

ClinVar aggregate classification (germline): Likely benign (1 of 4 stars; one submission).

Allele frequency attached by ClinVar (database versions not stated): gnomAD 0.00011; 1000 Genomes Project 30x 0.00016; gnomAD exomes 0.00017; 1000 Genomes Project 0.00020.
gnomAD v4.1: 59 of 398,140 alleles (0.015%); highest among the groups gnomAD compares: Non-Finnish European, 0.02%; no homozygotes.

Submission:

CeGaT Center for Human Genetics Tuebingen
Classification: Likely benign. Last evaluated: 2025-11-01. Review status: criteria provided, single submitter. Criteria: CeGaT Center For Human Genetics Tuebingen Variant Classification Criteria Version 2. Collection method: clinical testing. Allele origin: germline. Affected: yes. Observed: 2 variant alleles.
Comment: KCNQ1OT1: BS2